The following is an entry in ClinVar:

NM_002633.3(PGM1):c.1664G>A (p.Arg555His)

Gene: PGM1 (phosphoglucomutase 1; plus strand). Cytogenetic location: 1p31.3.
Variant type: single nucleotide variant.
Coding change: c.1664G>A on transcript NM_002633.3 (MANE Select); coding-DNA position 1664, G replaced by A.
Protein change: p.Arg555His; replaces arginine 555 with histidine.
Molecular consequence: missense variant.
Genome position (GRCh38, 1-based): chr1:63,659,650, G>A. VCF-style: chr1-63659650-G-A. GRCh37 (hg19) VCF-style: chr1-64125321-G-A.
Other names: c.1718G>A, p.Arg573His (NM_001172818.1); c.1073G>A, p.Arg358His (NM_001172819.2); short protein forms R555H, R573H, R358H.
Identifiers: ClinVar variation 1928718 (VCV001928718.2), dbSNP rs765405068, ClinGen allele CA889948.

ClinVar aggregate classification (germline): Uncertain significance (1 of 4 stars; one submission).

Conditions:
PGM1-congenital disorder of glycosylation. Also called: PHOSPHOGLUCOMUTASE 1 DEFICIENCY; PGM1 DEFICIENCY; Congenital disorder of glycosylation type 1t; GLYCOGEN STORAGE DISEASE XIV; GSD XIV; CDG It. Identifiers: Orphanet 319646, MedGen C2752015, MONDO:0013968, OMIM 614921.

Allele frequency attached by ClinVar (database versions not stated): TOPMed below 0.00001; ExAC 0.00002.
gnomAD v4.1: 19 of 1,613,668 alleles (0.0012%); highest among the groups gnomAD compares: African/African-American, 0.004%; no homozygotes.

Submission:

Labcorp Genetics (formerly Invitae), Labcorp
Classification: Uncertain significance for PGM1-congenital disorder of glycosylation. Last evaluated: 2022-08-09. Review status: criteria provided, single submitter. Criteria: Invitae Variant Classification Sherloc (09022015). Collection method: clinical testing. Allele origin: germline.
Comment: This sequence change replaces arginine, which is basic and polar, with histidine, which is basic and polar, at codon 555 of the PGM1 protein (p.Arg555His). This variant is present in population databases (rs765405068, gnomAD 0.006%). This variant has not been reported in the literature in individuals affected with PGM1-related conditions. Algorithms developed to predict the effect of missense changes on protein structure and function are either unavailable or do not agree on the potential impact of this missense change (SIFT: "Deleterious"; PolyPhen-2: "Probably Damaging"; Align-GVGD: "Class C0"). In summary, the available evidence is currently insufficient to determine the role of this variant in disease. Therefore, it has been classified as a Variant of Uncertain Significance.